The following is an entry in ClinVar:

ClinVar aggregate classification (germline): Uncertain significance (1 of 4 stars; one submission).

Submission:

Labcorp Genetics (formerly Invitae), Labcorp
Classification: Uncertain significance. Last evaluated: 2023-11-27. Review status: criteria provided, single submitter. Criteria: Invitae Variant Classification Sherloc (09022015). Collection method: clinical testing. Allele origin: germline.
Comment: This sequence change replaces leucine, which is neutral and non-polar, with proline, which is neutral and non-polar, at codon 1466 of the UNC80 protein (p.Leu1466Pro). This variant is not present in population databases (gnomAD no frequency). This variant has not been reported in the literature in individuals affected with UNC80-related conditions. Advanced modeling of protein sequence and biophysical properties (such as structural, functional, and spatial information, amino acid conservation, physicochemical variation, residue mobility, and thermodynamic stability) performed at Invitae indicates that this missense variant is not expected to disrupt UNC80 protein function with a negative predictive value of 80%. In summary, the available evidence is currently insufficient to determine the role of this variant in disease. Therefore, it has been classified as a Variant of Uncertain Significance.

NM_001371986.1(UNC80):c.4595T>C (p.Leu1532Pro)

Gene: UNC80 (unc-80 subunit of NALCN channel complex; plus strand). Cytogenetic location: 2q34.
Variant type: single nucleotide variant.
Coding change: c.4595T>C on transcript NM_001371986.1 (MANE Select); coding-DNA position 4595, T replaced by C.
Protein change: p.Leu1532Pro; replaces leucine 1532 with proline.
Molecular consequence: missense variant.
Genome position (GRCh38, 1-based): chr2:209,904,778, T>C. VCF-style: chr2-209904778-T-C. GRCh37 (hg19) VCF-style: chr2-210769502-T-C.
Other names: c.4397T>C, p.Leu1466Pro (NM_032504.2); c.4382T>C, p.Leu1461Pro (NM_182587.4); short protein forms L1461P, L1466P, L1532P.
Identifiers: ClinVar variation 2748107 (VCV002748107.3), dbSNP rs2087973112, ClinGen allele CA350754720.